The following is an entry in ClinVar:

ClinVar aggregate classification (germline): Uncertain significance (0 of 4 stars; one submission).

Submission:

Genetic Services Laboratory, University of Chicago
Classification: Uncertain significance. Last evaluated: 2022-12-15. Review status: no assertion criteria provided. Collection method: clinical testing. Allele origin: germline. Affected: no.
Comment: DNA sequence analysis of the NPM1 gene demonstrated a sequence change, c.737A>G, in exon 9 that results in an amino acid change, p.Asp246Gly. This sequence change does not appear to have been previously described in individuals with NPM1-related disorders and has also not been described in population databases such as ExAC and gnomAD. The p.Asp246Gly change affects a moderately conserved amino acid residue located in a domain of the NPM1 protein that is not known to be functional. In-silico pathogenicity prediction tools (SIFT, PolyPhen2, Align GVGD, REVEL) provide contradictory results for the p.Asp246Gly substitution. Due to insufficient evidences and the lack of functional studies, the clinical significance of the p.Asp246Gly change remains unknown at this time.

NM_002520.7(NPM1):c.737A>G (p.Asp246Gly)

Gene: NPM1 (nucleophosmin 1; plus strand). Cytogenetic location: 5q35.1.
Variant type: single nucleotide variant.
Coding change: c.737A>G on transcript NM_002520.7 (MANE Select); coding-DNA position 737, A replaced by G.
Protein change: p.Asp246Gly; replaces aspartic acid 246 with glycine.
Molecular consequence: missense variant. On other transcripts: non-coding transcript variant (1).
Genome position (GRCh38, 1-based): chr5:171,405,369, A>G. VCF-style: chr5-171405369-A-G. GRCh37 (hg19) VCF-style: chr5-170832373-A-G.
Other names: c.737A>G, p.Asp246Gly (NM_001037738.3, NM_001355006.2); c.545A>G, p.Asp182Gly (NM_001355007.2); c.650A>G, p.Asp217Gly (NM_001355009.2, NM_199185.4); c.356A>G, p.Asp119Gly (NM_001355010.2); short protein forms D119G, D182G, D217G, D246G.
Identifiers: ClinVar variation 2443195 (VCV002443195.2), dbSNP rs2480077318, ClinGen allele CA362136509.